The following is an entry in ClinVar:

ClinVar aggregate classification (germline): Uncertain significance (1 of 4 stars; one submission).

gnomAD v4.1: 1 of 1,557,702 alleles (0.000064%); highest among the groups gnomAD compares: Non-Finnish European, 0.000087%; no homozygotes.

Submission:

Women's Health and Genetics/Laboratory Corporation of America, LabCorp
Classification: Uncertain significance. Last evaluated: 2025-11-17. Review status: criteria provided, single submitter. Criteria: LabCorp Variant Classification Summary - May 2015. Collection method: clinical testing. Allele origin: germline.
Comment: Variant summary: PKD1 c.9193G>C (p.Val3065Leu) results in a conservative amino acid change in the encoded protein sequence. Algorithms developed to predict the effect of missense changes on protein structure and function all suggest that this variant is likely to be tolerated. The variant was absent in 159616 control chromosomes. The available data on variant occurrences in the general population are insufficient to allow any conclusion about variant significance. To our knowledge, no occurrence of c.9193G>C in individuals affected with PKD1-related conditions and no experimental evidence demonstrating its impact on protein function have been reported. No submitters have cited clinical-significance assessments for this variant to ClinVar. Based on the evidence outlined above, the variant was classified as uncertain significance.

NM_001009944.3(PKD1):c.9193G>C (p.Val3065Leu)

Gene: PKD1 (polycystin 1, transient receptor potential channel interacting; minus strand). Cytogenetic location: 16p13.3.
Variant type: single nucleotide variant.
Coding change: c.9193G>C on transcript NM_001009944.3 (MANE Select); coding-DNA position 9193, G replaced by C.
Protein change: p.Val3065Leu; replaces valine 3065 with leucine.
Molecular consequence: missense variant.
Genome position (GRCh38, 1-based): chr16:2,102,389, C>G on the plus strand (G>C on the coding strand, the complement: PKD1 is on the minus strand). VCF-style: chr16-2102389-C-G. GRCh37 (hg19) VCF-style: chr16-2152390-C-G.
Other names: c.9193G>C, p.Val3065Leu (NM_000296.4); short protein forms V3065L.
Identifiers: ClinVar variation 4537356 (VCV004537356.1).